The following is an entry in ClinVar:

ClinVar aggregate classification (germline): Uncertain significance. Review status: criteria provided, multiple submitters, no conflicts (2 of 4 stars). 2 submissions from 2 submitters: Uncertain significance (2). Last evaluated 2026-06-12.

Conditions:
ABCC2-related disorder. Also called: ABCC2-related condition.

Allele frequency attached by ClinVar (database versions not stated): gnomAD exomes 0.00003 and 0.00009; gnomAD 0.00011; ExAC 0.00012; TOPMed 0.00015; ESP Exome Variant Server 0.00023; 1000 Genomes Project 30x 0.00062; 1000 Genomes Project 0.00080.
gnomAD v4.1: 65 of 1,613,908 alleles (0.004%); highest among the groups gnomAD compares: East Asian, 0.049%; no homozygotes.

Submissions (2):

PreventionGenetics, part of Exact Sciences
Classification: Uncertain significance for ABCC2-related condition. Last evaluated: 2026-06-12. Review status: criteria provided, single submitter. Criteria: ACMG Guidelines, 2015. Collection method: clinical testing. Allele origin: germline.
Comment: The ABCC2 c.3436C>T variant is predicted to result in the amino acid substitution p.Arg1146Cys. To our knowledge, this variant has not been reported in the literature. This variant is reported in 0.055% of alleles in individuals of East Asian descent in gnomAD. At this time, the clinical significance of this variant is uncertain due to the absence of conclusive functional and genetic evidence.

Eurofins Ntd Llc (ga)
Classification: Uncertain significance. Last evaluated: 2016-09-22. Review status: criteria provided, single submitter. Criteria: EGL Classification Definitions 2015. Collection method: clinical testing. Allele origin: germline. Observed: 2 variant alleles, 2 heterozygotes.

NM_000392.5(ABCC2):c.3436C>T (p.Arg1146Cys)

Gene: ABCC2 (ATP binding cassette subfamily C member 2; plus strand). Cytogenetic location: 10q24.2.
Variant type: single nucleotide variant.
Coding change: c.3436C>T on transcript NM_000392.5 (MANE Select); coding-DNA position 3436, C replaced by T.
Protein change: p.Arg1146Cys; replaces arginine 1146 with cysteine.
Molecular consequence: missense variant.
Genome position (GRCh38, 1-based): chr10:99,836,112, C>T. VCF-style: chr10-99836112-C-T. GRCh37 (hg19) VCF-style: chr10-101595869-C-T.
Other names: c.3436C>T (NM_000392.4); c.3436C>T, p.Arg1146Cys (LRG_1208t1); short protein forms R1146C.
Identifiers: ClinVar variation 291276 (VCV000291276.6), dbSNP rs377550597, ClinGen allele CA5643808.